The following is an entry in ClinVar:

NM_001040108.2(MLH3):c.2338A>G (p.Thr780Ala)

Gene: MLH3 (mutL homolog 3; minus strand). Cytogenetic location: 14q24.3.
Variant type: single nucleotide variant.
Coding change: c.2338A>G on transcript NM_001040108.2 (MANE Select); coding-DNA position 2338, A replaced by G.
Protein change: p.Thr780Ala; replaces threonine 780 with alanine.
Molecular consequence: missense variant.
Genome position (GRCh38, 1-based): chr14:75,047,318, T>C on the plus strand (A>G on the coding strand, the complement: MLH3 is on the minus strand). VCF-style: chr14-75047318-T-C. GRCh37 (hg19) VCF-style: chr14-75514021-T-C.
Other names: c.2338A>G, p.Thr780Ala (NM_014381.3); short protein forms T780A.
Identifiers: ClinVar variation 5024599 (VCV005024599.1).

ClinVar aggregate classification (germline): Uncertain significance (1 of 4 stars; one submission).

Submission:

Ambry Genetics
Classification: Uncertain significance. Last evaluated: 2026-07-22. Review status: criteria provided, single submitter. Criteria: Ambry Variant Classification Scheme 2023. Collection method: clinical testing. Allele origin: germline.
Comment: The p.T780A variant (also known as c.2338A>G), located in coding exon 1 of the MLH3 gene, results from an A to G substitution at nucleotide position 2338. The threonine at codon 780 is replaced by alanine, an amino acid with similar properties. This amino acid position is conserved. In addition, this alteration is predicted to be tolerated by in silico analysis. Based on the available evidence, the clinical significance of this variant remains unclear.